The following is an entry in ClinVar:

ClinVar aggregate classification (germline): Uncertain significance (1 of 4 stars; one submission).

Conditions:
Epilepsy, familial focal, with variable foci 3 (FFEVF3). Identifiers: MedGen C4310708, MONDO:0014925, OMIM 617118.

Submission:

Labcorp Genetics (formerly Invitae), Labcorp
Classification: Uncertain significance for Epilepsy, familial focal, with variable foci 3. Last evaluated: 2022-11-15. Review status: criteria provided, single submitter. Criteria: Invitae Variant Classification Sherloc (09022015). Collection method: clinical testing. Allele origin: germline.
Comment: In summary, the available evidence is currently insufficient to determine the role of this variant in disease. Therefore, it has been classified as a Variant of Uncertain Significance. Advanced modeling of protein sequence and biophysical properties (such as structural, functional, and spatial information, amino acid conservation, physicochemical variation, residue mobility, and thermodynamic stability) performed at Invitae indicates that this missense variant is not expected to disrupt NPRL3 protein function. ClinVar contains an entry for this variant (Variation ID: 1010426). This variant has not been reported in the literature in individuals affected with NPRL3-related conditions. This variant is not present in population databases (gnomAD no frequency). This sequence change replaces proline, which is neutral and non-polar, with arginine, which is basic and polar, at codon 416 of the NPRL3 protein (p.Pro416Arg).

NM_001077350.3(NPRL3):c.1247C>G (p.Pro416Arg)

Genes: HBA-LCR (alpha-globin locus control region; plus strand), NPRL3 (NPR3 like, GATOR1 complex subunit; minus strand). Cytogenetic location: 16p13.3.
Variant type: single nucleotide variant.
Coding change: c.1247C>G on transcript NM_001077350.3 (MANE Select); coding-DNA position 1247, C replaced by G.
Protein change: p.Pro416Arg; replaces proline 416 with arginine.
Molecular consequence: missense variant.
Genome position (GRCh38, 1-based): chr16:89,817, G>C on the plus strand (C>G on the coding strand, the complement: NPRL3 is on the minus strand). VCF-style: chr16-89817-G-C. GRCh37 (hg19) VCF-style: chr16-139815-G-C.
Other names: c.710C>G, p.Pro237Arg (NM_001039476.3); c.1013C>G, p.Pro338Arg (NM_001243247.2); c.1172C>G, p.Pro391Arg (NM_001243248.2, NM_001243249.2); short protein forms P237R, P338R, P391R, P416R.
Identifiers: ClinVar variation 1010426 (VCV001010426.6), dbSNP rs746082270, ClinGen allele CA394051288.
Genomic context (GRCh38, chr16:89,817, plus strand): 5'-CCGCCGACCCGGGCAGTGAAGGGGACGTCGTCCTCTCGCGGACGGGGCTCCTCCTCGCTG[G>C]GTGAGGCCATCAGGCAGACATAGGTGTGCAGCTGGATGAGAAGCCGGCGCTGCAGCATCC-3'
Protein context (NP_001070818.1, residues 406-426): LHTYVCLMAS[Pro416Arg]SEEEPRPRED